The following is an entry in ClinVar:

NM_024426.6(WT1):c.1100T>G (p.Phe367Cys)

Gene: WT1 (WT1 transcription factor; minus strand). Cytogenetic location: 11p13.
Variant type: single nucleotide variant.
Coding change: c.1100T>G on transcript NM_024426.6 (MANE Select); coding-DNA position 1100, T replaced by G.
Protein change: p.Phe367Cys; replaces phenylalanine 367 with cysteine.
Molecular consequence: missense variant. On other transcripts: 5 prime UTR variant (1), non-coding transcript variant (1).
Genome position (GRCh38, 1-based): chr11:32,399,961, A>C on the plus strand (T>G on the coding strand, the complement: WT1 is on the minus strand). VCF-style: chr11-32399961-A-C. GRCh37 (hg19) VCF-style: chr11-32421507-A-C.
Other names: c.1049T>G, p.Phe350Cys (NM_000378.6, NM_001407045.1, NM_001407048.1 and 1 more transcripts); c.449T>G, p.Phe150Cys (NM_001198551.2); c.398T>G, p.Phe133Cys (NM_001198552.2); c.-89T>G (NM_001367854.1); c.1094T>G, p.Phe365Cys (NM_001407044.1); c.1100T>G, p.Phe367Cys (NM_001407046.1, NM_024424.5); c.977T>G, p.Phe326Cys (NM_001407047.1); c.926T>G, p.Phe309Cys (NM_001407050.1); and 2 more; short protein forms F150C, F367C, F133C, F350C, F309C, F365C, F113C, F326C.
Identifiers: ClinVar variation 406687 (VCV000406687.13), dbSNP rs150194429, ClinGen allele CA064143.

ClinVar aggregate classification (germline): Uncertain significance. Review status: criteria provided, multiple submitters, no conflicts (2 of 4 stars). 4 submissions from 4 submitters: Uncertain significance (4). Last evaluated 2025-02-19.

Conditions:
Inborn genetic diseases. Identifiers: MedGen C0950123, MeSH D030342.
Drash syndrome (DDS). Also called: NEPHROPATHY, WILMS TUMOR, AND GENITAL ANOMALIES; WILMS TUMOR AND PSEUDO- OR TRUE HERMAPHRODITISM. Identifiers: Orphanet 220, MedGen C0950121, MONDO:0008682, OMIM 194080.
Wilms tumor 1 (WT1). Also called: Wilms tumor, somatic. Identifiers: Orphanet 654, MedGen CN033288, MONDO:0008679, OMIM 194070.
Frasier syndrome. Identifiers: Orphanet 347, MedGen C0950122, MeSH D052159, MONDO:0007635, OMIM 136680.
11p partial monosomy syndrome (WAGR). Also called: CHROMOSOME 11p13 DELETION SYNDROME; WAGR syndrome; WAGR Complex; WAGR Spectrum Disorder. Identifiers: Orphanet 893, MedGen C0206115, MONDO:0008681, OMIM 194072.

Allele frequency attached by ClinVar (database versions not stated): gnomAD 0.00001; TOPMed 0.00001; ESP Exome Variant Server 0.00008.
gnomAD v4.1: 17 of 1,614,084 alleles (0.0011%); highest among the groups gnomAD compares: African/African-American, 0.0013%; no homozygotes.

Submissions (4):

Ambry Genetics
Classification: Uncertain significance for Inborn genetic diseases. Last evaluated: 2025-02-19. Review status: criteria provided, single submitter. Criteria: Ambry Variant Classification Scheme 2023. Collection method: clinical testing. Allele origin: germline.
Comment: The p.F362C variant (also known as c.1085T>G), located in coding exon 6 of the WT1 gene, results from a T to G substitution at nucleotide position 1085. The phenylalanine at codon 362 is replaced by cysteine, an amino acid with highly dissimilar properties. This amino acid position is highly conserved in available vertebrate species. In addition, this alteration is predicted to be deleterious by in silico analysis. Based on the available evidence, the clinical significance of this variant remains unclear.

Labcorp Genetics (formerly Invitae), Labcorp
Classification: Uncertain significance for Wilms tumor 1; Drash syndrome; 11p partial monosomy syndrome; Frasier syndrome. Last evaluated: 2024-12-15. Review status: criteria provided, single submitter. Criteria: Invitae Variant Classification Sherloc (09022015). Collection method: clinical testing. Allele origin: germline.
Comment: This sequence change replaces phenylalanine, which is neutral and non-polar, with cysteine, which is neutral and slightly polar, at codon 362 of the WT1 protein (p.Phe362Cys). This variant is present in population databases (rs150194429, gnomAD 0.002%). This variant has not been reported in the literature in individuals affected with WT1-related conditions. ClinVar contains an entry for this variant (Variation ID: 406687). Invitae Evidence Modeling of protein sequence and biophysical properties (such as structural, functional, and spatial information, amino acid conservation, physicochemical variation, residue mobility, and thermodynamic stability) has been performed for this missense variant. However, the output from this modeling did not meet the statistical confidence thresholds required to predict the impact of this variant on WT1 protein function. In summary, the available evidence is currently insufficient to determine the role of this variant in disease. Therefore, it has been classified as a Variant of Uncertain Significance.

All of Us Research Program, National Institutes of Health
Classification: Uncertain significance for Wilms tumor 1. Last evaluated: 2023-12-13. Review status: criteria provided, single submitter. Criteria: ACMG Guidelines, 2015. Collection method: clinical testing. Allele origin: germline. Inheritance: Autosomal dominant inheritance. Observed: 1 variant allele, 1 heterozygote.
Comment: This missense variant replaces phenylalanine with cysteine at codon 362 of the WT1 protein. Computational prediction suggests that this variant may have deleterious impact on protein structure and function. To our knowledge, functional studies have not been reported for this variant. This variant has not been reported in individuals affected with WT1-related disorders in the literature. This variant has been identified in 2/251426 chromosomes in the general population by the Genome Aggregation Database (gnomAD). The available evidence is insufficient to determine the role of this variant in disease conclusively. Therefore, this variant is classified as a Variant of Uncertain Significance.

This study involves interpretation of variants in research participants for the purpose of population health screening. Participant phenotype was not available at the time of variant classification. Additional details can be found in publication PMID: 35346344, PMCID: PMC8962531

Baylor Genetics
Classification: Uncertain significance for Drash syndrome. Last evaluated: 2023-10-08. Review status: criteria provided, single submitter. Criteria: ACMG Guidelines, 2015. Collection method: clinical testing. Allele origin: unknown.